The following is an entry in ClinVar:

NM_018671.5(UNC45A):c.1725C>G (p.Phe575Leu)

Gene: UNC45A (unc-45 myosin chaperone A; plus strand). Cytogenetic location: 15q26.1.
Variant type: single nucleotide variant.
Coding change: c.1725C>G on transcript NM_018671.5 (MANE Select); coding-DNA position 1725, C replaced by G.
Protein change: p.Phe575Leu; replaces phenylalanine 575 with leucine.
Molecular consequence: missense variant.
Genome position (GRCh38, 1-based): chr15:90,948,271, C>G. VCF-style: chr15-90948271-C-G. GRCh37 (hg19) VCF-style: chr15-91491501-C-G.
Other names: c.1680C>G, p.Phe560Leu (NM_001039675.2, NM_001323621.2); c.1725C>G, p.Phe575Leu (NM_001323619.1); c.1290C>G, p.Phe430Leu (NM_001323620.2); c.1725C>G (NM_018671.3); short protein forms F575L, F430L, F560L.
Identifiers: ClinVar variation 1443202 (VCV001443202.6), dbSNP rs778424893, ClinGen allele CA7743022.

ClinVar aggregate classification (germline): Uncertain significance. Review status: criteria provided, multiple submitters, no conflicts (2 of 4 stars). 3 submissions from 3 submitters: Uncertain significance (3). Last evaluated 2025-10-22.

Conditions:
Inborn genetic diseases. Identifiers: MedGen C0950123, MeSH D030342.
UNC45A-related disorder. Also called: UNC45A-related condition.

Allele frequency attached by ClinVar (database versions not stated): ExAC 0.00002; gnomAD exomes 0.00002 and 0.00003; gnomAD 0.00006 and 0.00007; TOPMed 0.00012.
gnomAD v4.1: 56 of 1,613,738 alleles (0.0035%); highest among the groups gnomAD compares: Admixed American, 0.017%; no homozygotes.

Submissions (3):

PreventionGenetics, part of Exact Sciences
Classification: Uncertain significance for UNC45A-related condition. Last evaluated: 2025-10-22. Review status: criteria provided, single submitter. Criteria: ACMG Guidelines, 2015. Collection method: clinical testing. Allele origin: germline.
Comment: The UNC45A c.1725C>G variant is predicted to result in the amino acid substitution p.Phe575Leu. To our knowledge, this variant has not been reported in the literature. This variant is reported in 0.0058% of alleles in individuals of Latino descent in gnomAD. At this time, the clinical significance of this variant is uncertain due to the absence of conclusive functional and genetic evidence.

Labcorp Genetics (formerly Invitae), Labcorp
Classification: Uncertain significance. Last evaluated: 2024-11-11. Review status: criteria provided, single submitter. Criteria: Invitae Variant Classification Sherloc (09022015). Collection method: clinical testing. Allele origin: germline.
Comment: This sequence change replaces phenylalanine, which is neutral and non-polar, with leucine, which is neutral and non-polar, at codon 575 of the UNC45A protein (p.Phe575Leu). This variant is present in population databases (rs778424893, gnomAD 0.006%). This variant has not been reported in the literature in individuals affected with UNC45A-related conditions. ClinVar contains an entry for this variant (Variation ID: 1443202). Invitae Evidence Modeling of protein sequence and biophysical properties (such as structural, functional, and spatial information, amino acid conservation, physicochemical variation, residue mobility, and thermodynamic stability) indicates that this missense variant is not expected to disrupt UNC45A protein function with a negative predictive value of 80%. In summary, the available evidence is currently insufficient to determine the role of this variant in disease. Therefore, it has been classified as a Variant of Uncertain Significance.

Ambry Genetics
Classification: Uncertain significance for Inborn genetic diseases. Last evaluated: 2023-11-28. Review status: criteria provided, single submitter. Criteria: Ambry Variant Classification Scheme 2023. Collection method: clinical testing. Allele origin: germline.